The following is an entry in ClinVar:

NM_006371.5(CRTAP):c.173A>G (p.Glu58Gly)

Gene: CRTAP (cartilage associated protein; plus strand). Cytogenetic location: 3p22.3.
Variant type: single nucleotide variant.
Coding change: c.173A>G on transcript NM_006371.5 (MANE Select); coding-DNA position 173, A replaced by G.
Protein change: p.Glu58Gly; replaces glutamic acid 58 with glycine.
Molecular consequence: missense variant.
Genome position (GRCh38, 1-based): chr3:33,114,250, A>G. VCF-style: chr3-33114250-A-G. GRCh37 (hg19) VCF-style: chr3-33155742-A-G.
Other names: short protein forms E58G.
Identifiers: ClinVar variation 1034979 (VCV001034979.5), dbSNP rs1701312995, ClinGen allele CA352008298.
Genomic context (GRCh38, chr3:33,114,250, plus strand): 5'-GGGACGAGCTGATGCCGCTCGAGTCGGCCTACCGGCACGCGCTGGACAAGTACAGCGGCG[A>G]GCACTGGGCCGAGAGCGTGGGCTACCTGGAGATCAGCCTGCGGCTGCACCGCTTGCTGCG-3'
Protein context (NP_006362.1, residues 48-68): YRHALDKYSG[Glu58Gly]HWAESVGYLE

ClinVar aggregate classification (germline): Uncertain significance (1 of 4 stars; one submission).

Conditions:
Osteogenesis imperfecta type 7 (OI7). Also called: Osteogenesis imperfecta type 2B; OI type 2B; Osteogenesis imperfecta, perinatal lethal autosomal recessive; OI type IIB; OI type 7; OI type VII. Identifiers: MedGen C1853162, MONDO:0012536, OMIM 610682.

Allele frequency attached by ClinVar (database versions not stated): gnomAD exomes below 0.00001.
gnomAD v4.1: 2 of 1,588,536 alleles (0.00013%); highest among the groups gnomAD compares: South Asian, 0.0011%; no homozygotes.

Submission:

Labcorp Genetics (formerly Invitae), Labcorp
Classification: Uncertain significance for Osteogenesis imperfecta type 7. Last evaluated: 2020-01-08. Review status: criteria provided, single submitter. Criteria: Invitae Variant Classification Sherloc (09022015). Collection method: clinical testing. Allele origin: germline.
Comment: This sequence change replaces glutamic acid with glycine at codon 58 of the CRTAP protein (p.Glu58Gly). The glutamic acid residue is highly conserved and there is a moderate physicochemical difference between glutamic acid and glycine. This variant is not present in population databases (ExAC no frequency). In summary, the available evidence is currently insufficient to determine the role of this variant in disease. Therefore, it has been classified as a Variant of Uncertain Significance. Algorithms developed to predict the effect of missense changes on protein structure and function are either unavailable or do not agree on the potential impact of this missense change (SIFT: "Deleterious"; PolyPhen-2: "Benign"; Align-GVGD: "Class C0"). This variant has not been reported in the literature in individuals with CRTAP-related conditions.